The following is an entry in ClinVar:

ClinVar aggregate classification (germline): Pathogenic (1 of 4 stars; one submission).

Submission:

Labcorp Genetics (formerly Invitae), Labcorp
Classification: Pathogenic. Last evaluated: 2025-04-08. Review status: criteria provided, single submitter. Criteria: Invitae Variant Classification Sherloc (09022015). Collection method: clinical testing. Allele origin: germline.
Comment: This sequence change affects an acceptor splice site in intron 2 of the AVPR2 gene. While this variant is not anticipated to result in nonsense mediated decay, it likely alters RNA splicing and results in a disrupted protein product. This variant is not present in population databases (gnomAD no frequency). Disruption of this splice site has been observed in individual(s) with nephrogenic diabetes insipidus (PMID: 7913579, 11095010, 34101133). In at least one individual the variant was observed to be de novo. This variant is also known as c.1447A>C . ClinVar contains an entry for this variant (Variation ID: 3724657). Variants that disrupt the consensus splice site are a relatively common cause of aberrant splicing (PMID: 17576681, 9536098). Algorithms developed to predict the effect of sequence changes on RNA splicing suggest that this variant may disrupt the consensus splice site. For these reasons, this variant has been classified as Pathogenic.

Literature cited by the submitters: PubMed 7913579; PubMed 11095010; PubMed 34101133; PubMed 17576681; PubMed 9536098.

NM_000054.7(AVPR2):c.911-2A>C

Gene: AVPR2 (arginine vasopressin receptor 2; plus strand). Cytogenetic location: Xq28.
Variant type: single nucleotide variant.
Coding change: c.911-2A>C on transcript NM_000054.7 (MANE Select); the canonical splice acceptor site of the intron before coding-DNA position 911, A replaced by C.
Molecular consequence: splice acceptor variant. On other transcripts: 3 prime UTR variant (1).
Genome position (GRCh38, 1-based): chrX:153,906,521, A>C. VCF-style: chrX-153906521-A-C. GRCh37 (hg19) VCF-style: chrX-153171975-A-C.
Other names: c.*85A>C (NM_001146151.3).
Identifiers: ClinVar variation 3724657 (VCV003724657.2).